The following is an entry in ClinVar:

NM_004629.2(FANCG):c.386C>T (p.Ser129Phe)

Gene: FANCG (FA complementation group G; minus strand). Cytogenetic location: 9p13.3.
Variant type: single nucleotide variant.
Coding change: c.386C>T on transcript NM_004629.2 (MANE Select); coding-DNA position 386, C replaced by T.
Protein change: p.Ser129Phe; replaces serine 129 with phenylalanine.
Molecular consequence: missense variant.
Genome position (GRCh38, 1-based): chr9:35,078,265, G>A on the plus strand (C>T on the coding strand, the complement: FANCG is on the minus strand). VCF-style: chr9-35078265-G-A. GRCh37 (hg19) VCF-style: chr9-35078262-G-A.
Other names: short protein forms S129F.
Identifiers: ClinVar variation 4844153 (VCV004844153.1).
Genomic context (GRCh38, chr9:35,078,265, plus strand): 5'-AGGGCAGCCTGCAGGCCAACCAGGCGGTGCAGGGCAGACAGCAGCTCCGGCAGAAGGCAG[G>A]AAGCACGAAGGACAGAGTCCCACAGCTCCCTGAGCCCCTGTTCCAACCTGGGCCCCTGCT-3'
Protein context (NP_004620.1, residues 119-139): RELWDSVLRA[Ser129Phe]CLLPELLSAL

ClinVar aggregate classification (germline): Uncertain significance (1 of 4 stars; one submission).

Conditions:
Inborn genetic diseases. Identifiers: MedGen C0950123, MeSH D030342.

Submission:

Ambry Genetics
Classification: Uncertain significance for Inborn genetic diseases. Last evaluated: 2026-02-17. Review status: criteria provided, single submitter. Criteria: Ambry Variant Classification Scheme 2023. Collection method: clinical testing. Allele origin: germline.
Comment: The p.S129F variant (also known as c.386C>T), located in coding exon 4 of the FANCG gene, results from a C to T substitution at nucleotide position 386. The serine at codon 129 is replaced by phenylalanine, an amino acid with highly dissimilar properties. This amino acid position is conserved. In addition, this alteration is predicted to be tolerated by in silico analysis. Based on the available evidence, the clinical significance of this variant remains unclear.